The following is an entry in ClinVar:

ClinVar aggregate classification (germline): Uncertain significance. Review status: criteria provided, multiple submitters, no conflicts (2 of 4 stars). 3 submissions from 3 submitters: Uncertain significance (3). Last evaluated 2025-11-05.

Conditions:
Inborn genetic diseases. Identifiers: MedGen C0950123, MeSH D030342.
ALG1-congenital disorder of glycosylation. Also called: CONGENITAL DISORDER OF GLYCOSYLATION, TYPE Ik; CDG Ik; ALG1-CDG. Identifiers: Orphanet 79327, MedGen C2931005, MONDO:0012052, OMIM 608540.

Allele frequency attached by ClinVar (database versions not stated): gnomAD 0.00003 and 0.00004; TOPMed 0.00003.
gnomAD v4.1: 5 of 1,613,924 alleles (0.00031%); highest among the groups gnomAD compares: African/African-American, 0.0067%; no homozygotes.

Submissions (3):

Ambry Genetics
Classification: Uncertain significance for Inborn genetic diseases. Last evaluated: 2025-11-05. Review status: criteria provided, single submitter. Criteria: Ambry Variant Classification Scheme 2023. Collection method: clinical testing. Allele origin: germline.

Fulgent Genetics
Classification: Uncertain significance for ALG1-congenital disorder of glycosylation. Last evaluated: 2024-03-07. Review status: criteria provided, single submitter. Criteria: ACMG Guidelines, 2015. Collection method: clinical testing. Allele origin: germline.

Labcorp Genetics (formerly Invitae), Labcorp
Classification: Uncertain significance for ALG1-congenital disorder of glycosylation. Last evaluated: 2022-07-12. Review status: criteria provided, single submitter. Criteria: Invitae Variant Classification Sherloc (09022015). Collection method: clinical testing. Allele origin: germline.
Comment: This sequence change replaces glutamic acid, which is acidic and polar, with alanine, which is neutral and non-polar, at codon 182 of the ALG1 protein (p.Glu182Ala). This variant is present in population databases (no rsID available, gnomAD 0.01%). This variant has not been reported in the literature in individuals affected with ALG1-related conditions. ClinVar contains an entry for this variant (Variation ID: 1521272). Advanced modeling of protein sequence and biophysical properties (such as structural, functional, and spatial information, amino acid conservation, physicochemical variation, residue mobility, and thermodynamic stability) performed at Invitae indicates that this missense variant is expected to disrupt ALG1 protein function. In summary, the available evidence is currently insufficient to determine the role of this variant in disease. Therefore, it has been classified as a Variant of Uncertain Significance.

NM_019109.5(ALG1):c.545A>C (p.Glu182Ala)

Gene: ALG1 (ALG1 chitobiosyldiphosphodolichol beta-mannosyltransferase; plus strand). Cytogenetic location: 16p13.3.
Variant type: single nucleotide variant.
Coding change: c.545A>C on transcript NM_019109.5 (MANE Select); coding-DNA position 545, A replaced by C.
Protein change: p.Glu182Ala; replaces glutamic acid 182 with alanine.
Molecular consequence: missense variant.
Genome position (GRCh38, 1-based): chr16:5,077,450, A>C. VCF-style: chr16-5077450-A-C. GRCh37 (hg19) VCF-style: chr16-5127451-A-C.
Other names: c.545A>C (NM_019109.4); c.212A>C, p.Glu71Ala (NM_001330504.2); short protein forms E182A, E71A.
Identifiers: ClinVar variation 1521272 (VCV001521272.7), dbSNP rs1011307139, ClinGen allele CA277199674.
Genomic context (GRCh38, chr16:5,077,450, plus strand): 5'-TGGTGGTAGCGGAGGCCTGTCTAGGGCTCTGCTGACTGCTGATCTCTCTTTTCAGGTACG[A>C]GAAGTTCTTTGGGCGCCTGTCCCACCTGAACCTGTGTGTTACCAATGCTATGCGAGAAGA-3'
Protein context (NP_061982.3, residues 172-192): HPLVLLAKWY[Glu182Ala]KFFGRLSHLN